The following is an entry in ClinVar:

ClinVar aggregate classification (germline): Uncertain significance (1 of 4 stars; one submission).

Submission:

GeneDx
Classification: Uncertain significance. Last evaluated: 2023-04-05. Review status: criteria provided, single submitter. Criteria: GeneDx Variant Classification Process June 2021. Collection method: clinical testing. Allele origin: germline. Affected: yes.
Comment: Canonical splice site variant in a gene or region of a gene for which loss of function is not a well-established mechanism of disease; Has not been previously published as pathogenic or benign to our knowledge

NM_002971.6(SATB1):c.1779+655_1779+703del

Gene: SATB1 (SATB homeobox 1; minus strand). Cytogenetic location: 3p24.3.
Variant type: Deletion.
Coding change: c.1779+655_1779+703del on transcript NM_002971.6 (MANE Select); bases 655 to 703 of the intron after coding-DNA position 1779, 49 bases deleted.
Molecular consequence: intron variant. On other transcripts: splice donor variant (2).
Genome position (GRCh38, 1-based): chr3:18,351,289-18,351,337, 49 bases deleted; deleting any 49 consecutive bases within chr3:18,351,289-18,351,340 gives the same sequence; the c. name uses the placement nearest the transcript's 3' end. GRCh37 (hg19): chr3:18,392,784-18,392,832.
Other names: c.1779+655_1779+703del (NM_001322874.2, NM_001322872.2, NM_001322873.2 and 2 more transcripts); c.1563+655_1563+703del (NM_001322876.2); c.1851_1875+24del (NM_001322871.2, NM_001195470.3).
Identifiers: ClinVar variation 2663466 (VCV002663466.1), dbSNP rs1415313256, ClinGen allele CA541377283.